The following is an entry in ClinVar:

NM_000052.7(ATP7A):c.1159A>C (p.Thr387Pro)

Gene: ATP7A (ATPase copper transporting alpha; plus strand). Cytogenetic location: Xq21.1.
Variant type: single nucleotide variant.
Coding change: c.1159A>C on transcript NM_000052.7 (MANE Select); coding-DNA position 1159, A replaced by C.
Protein change: p.Thr387Pro; replaces threonine 387 with proline.
Molecular consequence: missense variant.
Genome position (GRCh38, 1-based): chrX:77,989,781, A>C. VCF-style: chrX-77989781-A-C. GRCh37 (hg19) VCF-style: chrX-77245277-A-C.
Other names: c.1159A>C, p.Thr387Pro (NM_001282224.2); short protein forms T387P.
Identifiers: ClinVar variation 580284 (VCV000580284.10), dbSNP rs1569549600, ClinGen allele CA413601940.

ClinVar aggregate classification (germline): Uncertain significance (1 of 4 stars; one submission).

Conditions:
Menkes kinky-hair syndrome (MNK). Also called: Menkes Disease; Copper transport disease; Classic Menkes Disease. Identifiers: Orphanet 565, MedGen C0022716, MONDO:0010651, OMIM 309400.
Cutis laxa, X-linked (OHS). Also called: EDS IX; Occipital horn syndrome. Identifiers: Orphanet 198, MedGen C0268353, MONDO:0010572, OMIM 304150.
X-linked distal spinal muscular atrophy type 3. Also called: ATP7A-Related Distal Motor Neuropathy; NEURONOPATHY, DISTAL HEREDITARY MOTOR, X-LINKED; NEUROPATHY, DISTAL HEREDITARY MOTOR, X-LINKED; SPINAL MUSCULAR ATROPHY, DISTAL, X-LINKED RECESSIVE. Identifiers: Orphanet 139557, MedGen C1845359, MONDO:0010338, OMIM 300489.

Submission:

Labcorp Genetics (formerly Invitae), Labcorp
Classification: Uncertain significance for X-linked distal spinal muscular atrophy type 3; Cutis laxa, X-linked; Menkes kinky-hair syndrome. Last evaluated: 2024-04-30. Review status: criteria provided, single submitter. Criteria: Invitae Variant Classification Sherloc (09022015). Collection method: clinical testing. Allele origin: germline.
Comment: This sequence change replaces threonine, which is neutral and polar, with proline, which is neutral and non-polar, at codon 387 of the ATP7A protein (p.Thr387Pro). This variant is not present in population databases (gnomAD no frequency). This missense change has been observed in individual(s) with clinical features of ATP7A-related conditions (Invitae). ClinVar contains an entry for this variant (Variation ID: 580284). Advanced modeling of protein sequence and biophysical properties (such as structural, functional, and spatial information, amino acid conservation, physicochemical variation, residue mobility, and thermodynamic stability) has been performed at Invitae for this missense variant, however the output from this modeling did not meet the statistical confidence thresholds required to predict the impact of this variant on ATP7A protein function. In summary, the available evidence is currently insufficient to determine the role of this variant in disease. Therefore, it has been classified as a Variant of Uncertain Significance.